The following is an entry in ClinVar:

ClinVar aggregate classification (germline): Conflicting classifications of pathogenicity. Review status: criteria provided, conflicting classifications (1 of 4 stars). 2 submissions from 2 submitters: Likely pathogenic (1); Uncertain significance (1). Last evaluated 2019-11-04.

Conditions:
Familial thoracic aortic aneurysm and aortic dissection (TAAD). Also called: Thoracic aortic aneurysms and dissections. Identifiers: Orphanet 91387, MedGen C4707243, MONDO:0019625.

Submissions (2):

Ambry Genetics
Classification: Likely pathogenic for Familial thoracic aortic aneurysm and aortic dissection. Last evaluated: 2019-11-04. Review status: criteria provided, single submitter. Criteria: Ambry Variant Classification Scheme 2023. Collection method: clinical testing. Allele origin: germline.
Comment: The p.C1534S variant (also known as c.4601G>C), located in coding exon 37 of the FBN1 gene, results from a G to C substitution at nucleotide position 4601. The cysteine at codon 1534 is replaced by serine, an amino acid with dissimilar properties, and is located in the TGFBP #04 domain. Another variant affecting this codon (p.C1534W, c.4602C>G) has been detected in a cohort with Marfan syndrome or related features (Li J et al. Sci China Life Sci. 2019 May [Epub ahead of print]). This amino acid position is highly conserved in available vertebrate species. In addition, this alteration is predicted to be deleterious by in silico analysis. The majority of FBN1 mutations identified to date have involved the substitution or generation of cysteine residues within cbEGF domains (Vollbrandt T et al. J Biol Chem. 2004;279(31):32924-32931). Internal structural analysis reveals that this alteration disrupts a known disulfide motif in a TGF-&beta; binding domain, and is likely to result in structural destabilization (Lee SS et al. Structure, 2004 Apr;12:717-29). Based on the majority of available evidence to date, this variant is likely to be pathogenic.

Women's Health and Genetics/Laboratory Corporation of America, LabCorp
Classification: Uncertain significance. Last evaluated: 2017-11-21. Review status: criteria provided, single submitter. Criteria: LabCorp Variant Classification Summary - May 2015. Collection method: clinical testing. Allele origin: germline.
Comment: Variant summary: The FBN1 c.4601G>C (p.Cys1534Ser) variant involves the alteration of a conserved nucleotide that is located in a TB domain (InterPro). 4/4 in silico tools predict a damaging outcome for this variant (SNPsandGO not captured due to low reliability index). This variant is absent in 276688 control chromosomes in the gnomAD database. The variant of interest has not, to our knowledge, been reported in affected individuals via publications and/or reputable databases/clinical diagnostic laboratories, nor evaluated for functional impact by in vivo/vitro studies. However, this variant changes a cysteine residue, which are known to be functionally important in this protein. Taken together, this variant is classified as VUS-possibly pathogenic.

Literature cited by the submitters: PubMed 15062093 (cited by Ambry Genetics); PubMed 31098894 (cited by Ambry Genetics).

NM_000138.5(FBN1):c.4601G>C (p.Cys1534Ser)

Gene: FBN1 (fibrillin 1; minus strand). Cytogenetic location: 15q21.1.
Variant type: single nucleotide variant.
Coding change: c.4601G>C on transcript NM_000138.5 (MANE Select); coding-DNA position 4601, G replaced by C.
Protein change: p.Cys1534Ser; replaces cysteine 1534 with serine.
Molecular consequence: missense variant.
Genome position (GRCh38, 1-based): chr15:48,468,084, C>G on the plus strand (G>C on the coding strand, the complement: FBN1 is on the minus strand). VCF-style: chr15-48468084-C-G. GRCh37 (hg19) VCF-style: chr15-48760281-C-G.
Other names: short protein forms C1534S.
Identifiers: ClinVar variation 632809 (VCV000632809.3), dbSNP rs112559031, ClinGen allele CA269551783.